The following is an entry in ClinVar:

ClinVar aggregate classification (germline): Benign. Review status: criteria provided, multiple submitters, no conflicts (2 of 4 stars). 4 submissions from 4 submitters: Benign (3). 1 of the submissions does not count toward it. Last evaluated 2026-02-01.

Allele frequency attached by ClinVar (database versions not stated): ExAC 0.24629; 1000 Genomes Project 30x 0.22345; TOPMed 0.26009; ESP Exome Variant Server 0.27092; 1000 Genomes Project 0.22404; gnomAD 0.25793 and 0.26203.
gnomAD v4.1: 414,554 of 1,606,668 alleles (26%); highest among the groups gnomAD compares: Middle Eastern, 34%; 55,286 homozygotes.

Submissions (4):

Labcorp Genetics (formerly Invitae), Labcorp
Classification: Benign. Last evaluated: 2026-02-01. Review status: criteria provided, single submitter. Criteria: Invitae Variant Classification Sherloc (09022015). Collection method: clinical testing. Allele origin: germline.

GeneDx
Classification: Benign. Last evaluated: 2013-10-25. Review status: criteria provided, single submitter. Criteria: GeneDx Variant Classification (06012015). Collection method: clinical testing. Allele origin: germline. Affected: yes.
Comment: This variant is considered likely benign or benign based on one or more of the following criteria: it is a conservative change, it occurs at a poorly conserved position in the protein, it is predicted to be benign by multiple in silico algorithms, and/or has population frequency not consistent with disease.

Breakthrough Genomics
Classification: Benign. Review status: criteria provided, single submitter. Criteria: ACMG Guidelines, 2015. Collection method: not provided. Allele origin: germline. Inheritance: Autosomal recessive inheritance. Affected: yes.

Mayo Clinic Laboratories, Mayo Clinic
Classification: Benign. Last evaluated: 2016-02-22. Review status: no assertion criteria provided. Collection method: clinical testing. Allele origin: unknown. Not counted in ClinVar's aggregate classification.

NM_005002.5(NDUFA9):c.411-9A>T

Gene: NDUFA9 (NADH:ubiquinone oxidoreductase subunit A9; plus strand). Cytogenetic location: 12p13.32.
Variant type: single nucleotide variant.
Coding change: c.411-9A>T on transcript NM_005002.5 (MANE Select); 9 bases into the intron before coding-DNA position 411, A replaced by T.
Molecular consequence: intron variant.
Genome position (GRCh38, 1-based): chr12:4,659,027, A>T. VCF-style: chr12-4659027-A-T. GRCh37 (hg19) VCF-style: chr12-4768193-A-T.
Identifiers: ClinVar variation 138447 (VCV000138447.14), dbSNP rs4147682, ClinGen allele CA292437.